The following is an entry in ClinVar:

ClinVar aggregate classification (germline): Uncertain significance (1 of 4 stars; one submission).

Allele frequency attached by ClinVar (database versions not stated): TOPMed below 0.00001; ExAC 0.00001; gnomAD 0.00001.
gnomAD v4.1: 9 of 1,613,938 alleles (0.00056%); highest among the groups gnomAD compares: South Asian, 0.0022%; no homozygotes.

Submission:

Labcorp Genetics (formerly Invitae), Labcorp
Classification: Uncertain significance. Last evaluated: 2022-06-29. Review status: criteria provided, single submitter. Criteria: Invitae Variant Classification Sherloc (09022015). Collection method: clinical testing. Allele origin: germline.
Comment: In summary, the available evidence is currently insufficient to determine the role of this variant in disease. Therefore, it has been classified as a Variant of Uncertain Significance. Algorithms developed to predict the effect of missense changes on protein structure and function (SIFT, PolyPhen-2, Align-GVGD) all suggest that this variant is likely to be disruptive. This sequence change replaces arginine, which is basic and polar, with tryptophan, which is neutral and slightly polar, at codon 458 of the ALDH6A1 protein (p.Arg458Trp). This variant is present in population databases (rs756621510, gnomAD 0.003%). This variant has not been reported in the literature in individuals affected with ALDH6A1-related conditions.

NM_005589.4(ALDH6A1):c.1372C>T (p.Arg458Trp)

Genes: ALDH6A1 (aldehyde dehydrogenase 6 family member A1; minus strand), BBOF1 (basal body orientation factor 1; plus strand). Cytogenetic location: 14q24.3.
Variant type: single nucleotide variant.
Coding change: c.1372C>T on transcript NM_005589.4 (MANE Select); coding-DNA position 1372, C replaced by T.
Protein change: p.Arg458Trp; replaces arginine 458 with tryptophan.
Molecular consequence: missense variant. On other transcripts: 3 prime UTR variant (1).
Genome position (GRCh38, 1-based): chr14:74,065,213, G>A on the plus strand (C>T on the coding strand, the complement: ALDH6A1 is on the minus strand). VCF-style: chr14-74065213-G-A. GRCh37 (hg19) VCF-style: chr14-74531916-G-A.
Other names: c.1333C>T, p.Arg445Trp (NM_001278593.2); c.910C>T, p.Arg304Trp (NM_001278594.2); c.*514G>A (NM_025057.3); short protein forms R458W, R304W, R445W.
Identifiers: ClinVar variation 2148202 (VCV002148202.4), dbSNP rs756621510, ClinGen allele CA7265645.